The following is an entry in ClinVar:

ClinVar aggregate classification (germline): Uncertain significance (1 of 4 stars; one submission).

Submission:

GeneDx
Classification: Uncertain significance. Last evaluated: 2019-08-28. Review status: criteria provided, single submitter. Criteria: GeneDx Variant Classification Process June 2021. Collection method: clinical testing. Allele origin: germline. Affected: yes.
Comment: Not observed in large population cohorts (Lek et al., 2016); In silico analysis, which includes protein predictors and evolutionary conservation, supports a deleterious effect; Has not been previously published as pathogenic or benign to our knowledge

NM_004958.4(MTOR):c.311T>C (p.Ile104Thr)

Gene: MTOR (mechanistic target of rapamycin kinase; minus strand). Cytogenetic location: 1p36.22.
Variant type: single nucleotide variant.
Coding change: c.311T>C on transcript NM_004958.4 (MANE Select); coding-DNA position 311, T replaced by C.
Protein change: p.Ile104Thr; replaces isoleucine 104 with threonine.
Molecular consequence: missense variant. On other transcripts: 5 prime UTR variant (1).
Genome position (GRCh38, 1-based): chr1:11,257,126, A>G on the plus strand (T>C on the coding strand, the complement: MTOR is on the minus strand). VCF-style: chr1-11257126-A-G. GRCh37 (hg19) VCF-style: chr1-11317183-A-G.
Other names: c.311T>C, p.Ile104Thr (NM_001386500.1); c.-829T>C (NM_001386501.1); short protein forms I104T.
Identifiers: ClinVar variation 1307639 (VCV001307639.2), dbSNP rs2100978799, ClinGen allele CA338404246.